The following is an entry in ClinVar:

ClinVar aggregate classification (germline): Conflicting classifications of pathogenicity. Review status: criteria provided, conflicting classifications (1 of 4 stars). 3 submissions from 3 submitters: Uncertain significance (1); Likely benign (1). 1 of the submissions does not count toward it. Last evaluated 2025-09-02.

Conditions:
Nemaline myopathy 2 (NEM2). Also called: Nemaline myopathy 2, autosomal recessive. Identifiers: MedGen C1850569, MONDO:0009725, OMIM 256030.

Allele frequency attached by ClinVar (database versions not stated): ExAC 0.00001; gnomAD exomes 0.00002; TOPMed 0.00002; gnomAD 0.00006.
gnomAD v4.1: 82 of 1,605,412 alleles (0.0051%); highest among the groups gnomAD compares: Admixed American, 0.0068%; no homozygotes.

Submissions (3):

Labcorp Genetics (formerly Invitae), Labcorp
Classification: Likely benign for Nemaline myopathy 2. Last evaluated: 2025-09-02. Review status: criteria provided, single submitter. Criteria: Invitae Variant Classification Sherloc (09022015). Collection method: clinical testing. Allele origin: germline.

GeneDx
Classification: Uncertain significance. Last evaluated: 2020-12-09. Review status: criteria provided, single submitter. Criteria: GeneDx Variant Classification Process June 2021. Collection method: clinical testing. Allele origin: germline. Affected: yes.
Comment: Not observed at a significant frequency in large population cohorts (Lek et al., 2016); In silico analysis supports that this missense variant does not alter protein structure/function; Has not been previously published as pathogenic or benign to our knowledge

Natera, Inc.
Classification: Uncertain significance for Nemaline myopathy type 2. Last evaluated: 2020-05-15. Review status: no assertion criteria provided. Collection method: clinical testing. Allele origin: germline. Not counted in ClinVar's aggregate classification.

NM_001164508.2(NEB):c.19139A>G (p.Lys6380Arg)

Gene: NEB (nebulin; minus strand). Cytogenetic location: 2q23.3.
Variant type: single nucleotide variant.
Coding change: c.19139A>G on transcript NM_001164508.2 (MANE Select); coding-DNA position 19139, A replaced by G.
Protein change: p.Lys6380Arg; replaces lysine 6380 with arginine.
Molecular consequence: missense variant.
Genome position (GRCh38, 1-based): chr2:151,561,071, T>C on the plus strand (A>G on the coding strand, the complement: NEB is on the minus strand). VCF-style: chr2-151561071-T-C. GRCh37 (hg19) VCF-style: chr2-152417585-T-C.
Other names: c.19139A>G, p.Lys6380Arg (NM_001164507.2, NM_001271208.2); c.14036A>G, p.Lys4679Arg (NM_004543.5); short protein forms K6380R, K4679R.
Identifiers: ClinVar variation 966468 (VCV000966468.13), dbSNP rs757621444, ClinGen allele CA1907753.